The following is an entry in ClinVar:

NM_001079802.2(FKTN):c.109G>T (p.Gly37Ter)

Gene: FKTN (fukutin; plus strand). Cytogenetic location: 9q31.2.
Variant type: single nucleotide variant.
Coding change: c.109G>T on transcript NM_001079802.2 (MANE Select); coding-DNA position 109, G replaced by T.
Protein change: p.Gly37Ter; replaces glycine 37 with a stop codon.
Molecular consequence: nonsense. On other transcripts: 5 prime UTR variant (5), non-coding transcript variant (2).
Genome position (GRCh38, 1-based): chr9:105,596,601, G>T. VCF-style: chr9-105596601-G-T. GRCh37 (hg19) VCF-style: chr9-108358882-G-T.
Other names: c.109G>T, p.Gly37Ter (NM_001198963.2, NM_001351496.2, NM_001351498.2 and 1 more transcripts); c.-59G>T (NM_001351497.2); c.-406G>T (NM_001351499.2, NM_001351500.2, NM_001351501.2 and 1 more transcripts); short protein forms G37*.
Identifiers: ClinVar variation 370768 (VCV000370768.8), dbSNP rs773884973, ClinGen allele CA16041290.

ClinVar aggregate classification (germline): Pathogenic/Likely pathogenic. Review status: criteria provided, multiple submitters, no conflicts (2 of 4 stars). 4 submissions from 4 submitters: Pathogenic (2); Likely pathogenic (1). 1 of the submissions does not count toward it. Last evaluated 2025-11-24.

Conditions:
Walker-Warburg congenital muscular dystrophy. Also called: Muscular dystrophy-dystroglycanopathy, type A; Walker-Warburg syndrome. Identifiers: Orphanet 899, MedGen C0265221, MONDO:0000171.
Muscular dystrophy-dystroglycanopathy (congenital with brain and eye anomalies), type A, 4 (MDDGA4). Also called: Fukuyama congenital muscular dystrophy; Muscular dystrophy, congenital progressive, with mental retardation; Muscular dystrophy, congenital, with central nervous system involvement; Cerebromuscular dystrophy, Fukuyama type; Walker-Warburg Syndrome, Fktn-Related; Congenital muscular dystrophy-dystroglycanopathy with brain and eye anomalies, type A4. Identifiers: Orphanet 272, Orphanet 588, Orphanet 899, MedGen C0410174, MONDO:0009678, OMIM 253800.
Autosomal recessive limb-girdle muscular dystrophy type 2M. Also called: MUSCULAR DYSTROPHY, LIMB-GIRDLE, TYPE 2M; MUSCULAR DYSTROPHY-DYSTROGLYCANOPATHY (LIMB-GIRDLE), TYPE C, 4. Identifiers: Orphanet 206554, MedGen C1969040, MONDO:0012699, OMIM 611588.

Submissions (4):

Natera, Inc.
Classification: Likely pathogenic for Walker-Warburg congenital muscular dystrophy. Last evaluated: 2025-11-24. Review status: criteria provided, single submitter. Criteria: Natera Variant Classification Schema (03/2026). Collection method: clinical testing. Allele origin: germline.
Comment: The c.109G>T variant in FKTN is a nonsense variant predicted to introduce a stop codon at amino acid 37. This variant is expected to result in nonsense mediated decay, truncation, or a dysfunctional protein product. This variant is rare in the general population with a frequency below the threshold expected for the associated phenotype(s). Given the available evidence, this variant is classified as Likely Pathogenic.

Women's Health and Genetics/Laboratory Corporation of America, LabCorp
Classification: Pathogenic for Autosomal recessive limb-girdle muscular dystrophy type 2M. Last evaluated: 2024-12-24. Review status: criteria provided, single submitter. Criteria: LabCorp Variant Classification Summary - May 2015. Collection method: clinical testing. Allele origin: germline.
Comment: Variant summary: FKTN c.109G>T (p.Gly37X) results in a premature termination codon, predicted to cause absence of the protein due to nonsense mediated decay, which is a commonly known mechanism for disease. The variant was absent in 251296 control chromosomes. To our knowledge, no occurrence of c.109G>T in individuals affected with Autosomal recessive limb-girdle muscular dystrophy type 2M and no experimental evidence demonstrating its impact on protein function have been reported. ClinVar contains an entry for this variant (Variation ID: 370768). Based on the evidence outlined above, the variant was classified as pathogenic.

Labcorp Genetics (formerly Invitae), Labcorp
Classification: Pathogenic for Walker-Warburg congenital muscular dystrophy. Last evaluated: 2022-12-31. Review status: criteria provided, single submitter. Criteria: Invitae Variant Classification Sherloc (09022015). Collection method: clinical testing. Allele origin: germline.
Comment: This sequence change creates a premature translational stop signal (p.Gly37*) in the FKTN gene. It is expected to result in an absent or disrupted protein product. Loss-of-function variants in FKTN are known to be pathogenic (PMID: 17044012, 17878207, 18752264). This variant is not present in population databases (gnomAD no frequency). For these reasons, this variant has been classified as Pathogenic. ClinVar contains an entry for this variant (Variation ID: 370768). This variant has not been reported in the literature in individuals affected with FKTN-related conditions.

Counsyl
Classification: Likely pathogenic for Muscular dystrophy-dystroglycanopathy (congenital with brain and eye anomalies), type A, 4. Last evaluated: 2016-04-08. Review status: no assertion criteria provided. Collection method: clinical testing. Allele origin: unknown. Not counted in ClinVar's aggregate classification.

Literature cited by the submitters: PubMed 17044012 (cited by Labcorp Genetics (formerly Invitae), Labcorp); PubMed 17878207 (cited by Labcorp Genetics (formerly Invitae), Labcorp); PubMed 18752264 (cited by Labcorp Genetics (formerly Invitae), Labcorp).